The following is an entry in ClinVar:

ClinVar aggregate classification (germline): Uncertain significance (1 of 4 stars; one submission).

Conditions:
Long QT syndrome (LQTS). Identifiers: MedGen C0023976, MeSH D008133, MONDO:0002442. Disease mechanism: loss of function. Inheritance: Various modes of inheritance.

gnomAD v4.1: 7 of 1,572,658 alleles (0.00045%); highest among the groups gnomAD compares: Non-Finnish European, 0.0006%; no homozygotes.

Submission:

Labcorp Genetics (formerly Invitae), Labcorp
Classification: Uncertain significance for Long QT syndrome. Last evaluated: 2018-09-26. Review status: criteria provided, single submitter. Criteria: Invitae Variant Classification Sherloc (09022015). Collection method: clinical testing. Allele origin: germline.
Comment: This variant has not been reported in the literature in individuals with CACNA1C-related disease. In summary, the available evidence is currently insufficient to determine the role of this variant in disease. Therefore, it has been classified as a Variant of Uncertain Significance. Algorithms developed to predict the effect of missense changes on protein structure and function output the following: SIFT: "Tolerated"; PolyPhen-2: "Benign"; Align-GVGD: "Class C0". The isoleucine amino acid residue is found in multiple mammalian species, suggesting that this missense change does not adversely affect protein function. These predictions have not been confirmed by published functional studies and their clinical significance is uncertain. This variant is not present in population databases (ExAC no frequency). This sequence change replaces valine with isoleucine at codon 2135 of the CACNA1C protein (p.Val2135Ile). The valine residue is moderately conserved and there is a small physicochemical difference between valine and isoleucine.

NM_000719.7(CACNA1C):c.6403G>A (p.Val2135Ile)

Gene: CACNA1C (calcium voltage-gated channel subunit alpha1 C; plus strand). Cytogenetic location: 12p13.33.
Variant type: single nucleotide variant.
Coding change: c.6403G>A on transcript NM_000719.7 (MANE Select); coding-DNA position 6403, G replaced by A.
Protein change: p.Val2135Ile; replaces valine 2135 with isoleucine.
Molecular consequence: missense variant.
Genome position (GRCh38, 1-based): chr12:2,691,185, G>A. VCF-style: chr12-2691185-G-A. GRCh37 (hg19) VCF-style: chr12-2800351-G-A.
Other names: c.6547G>A, p.Val2183Ile (NM_001129827.2); c.6526G>A, p.Val2176Ile (NM_001129829.2); c.6508G>A, p.Val2170Ile (NM_001129830.3, NM_001167624.3); c.6487G>A, p.Val2163Ile (NM_001129831.2); c.6463G>A, p.Val2155Ile (NM_001129832.2); c.6460G>A, p.Val2154Ile (NM_001129833.2, NM_001129834.2, NM_001129835.2); c.6454G>A, p.Val2152Ile (NM_001129836.2); c.6427G>A, p.Val2143Ile (NM_001129837.2, NM_001129838.2); and 6 more; short protein forms V2183I, V2124I, V2141I, V2143I, V2163I, V2132I, V2154I, V2155I.
Identifiers: ClinVar variation 650851 (VCV000650851.9), dbSNP rs758199539, ClinGen allele CA383387955.